The following is an entry in ClinVar:

ClinVar aggregate classification (germline): Uncertain significance. Review status: criteria provided, multiple submitters, no conflicts (2 of 4 stars). 2 submissions from 2 submitters: Uncertain significance (2). Last evaluated 2025-12-01.

Allele frequency attached by ClinVar (database versions not stated): TOPMed 0.00006; ExAC 0.00008; gnomAD 0.00008; 1000 Genomes Project 0.00020; 1000 Genomes Project 30x 0.00031.
gnomAD v4.1: 105 of 1,607,688 alleles (0.0065%); highest among the groups gnomAD compares: East Asian, 0.029%; no homozygotes.

Submissions (2):

Labcorp Genetics (formerly Invitae), Labcorp
Classification: Uncertain significance. Last evaluated: 2025-12-01. Review status: criteria provided, single submitter. Criteria: Invitae Variant Classification Sherloc (09022015). Collection method: clinical testing. Allele origin: germline.
Comment: This sequence change replaces threonine, which is neutral and polar, with methionine, which is neutral and non-polar, at codon 896 of the A2ML1 protein (p.Thr896Met). This variant is present in population databases (rs760599187, gnomAD 0.01%). This variant has not been reported in the literature in individuals affected with A2ML1-related conditions. ClinVar contains an entry for this variant (Variation ID: 1794742). An algorithm developed to predict the effect of missense changes on protein structure and function (PolyPhen-2) suggests that this variant is likely to be disruptive. In summary, the available evidence is currently insufficient to determine the role of this variant in disease. Therefore, it has been classified as a Variant of Uncertain Significance.

Ambry Genetics
Classification: Uncertain significance. Last evaluated: 2024-02-01. Review status: criteria provided, single submitter. Criteria: Ambry Variant Classification Scheme 2023. Collection method: clinical testing. Allele origin: germline.
Comment: The p.T896M variant (also known as c.2687C>T), located in coding exon 21 of the A2ML1 gene, results from a C to T substitution at nucleotide position 2687. The threonine at codon 896 is replaced by methionine, an amino acid with similar properties. This amino acid position is conserved. In addition, this alteration is predicted to be tolerated by in silico analysis. Since supporting evidence is limited at this time, the clinical significance of this alteration remains unclear.

NM_144670.6(A2ML1):c.2687C>T (p.Thr896Met)

Gene: A2ML1 (alpha-2-macroglobulin like 1; plus strand). Cytogenetic location: 12p13.31.
Variant type: single nucleotide variant.
Coding change: c.2687C>T on transcript NM_144670.6 (MANE Select); coding-DNA position 2687, C replaced by T.
Protein change: p.Thr896Met; replaces threonine 896 with methionine.
Molecular consequence: missense variant.
Genome position (GRCh38, 1-based): chr12:8,854,224, C>T. VCF-style: chr12-8854224-C-T. GRCh37 (hg19) VCF-style: chr12-9006820-C-T.
Other names: c.1214C>T, p.Thr405Met (NM_001282424.3); short protein forms T896M, T405M.
Identifiers: ClinVar variation 1794742 (VCV001794742.7), dbSNP rs760599187, ClinGen allele CA6436092.